The following is an entry in ClinVar:

ClinVar aggregate classification (germline): Pathogenic. Review status: criteria provided, multiple submitters, no conflicts (2 of 4 stars). 2 submissions from 2 submitters: Pathogenic (2). Last evaluated 2023-09-09.

Allele frequency attached by ClinVar (database versions not stated): gnomAD exomes 0.00004 and 0.00007; TOPMed 0.00004; ExAC 0.00005; gnomAD 0.00007; ESP Exome Variant Server 0.00008.
gnomAD v4.1: 118 of 1,610,784 alleles (0.0073%); highest among the groups gnomAD compares: Non-Finnish European, 0.0085%; no homozygotes.

Submissions (2):

Labcorp Genetics (formerly Invitae), Labcorp
Classification: Pathogenic. Last evaluated: 2023-09-09. Review status: criteria provided, single submitter. Criteria: Invitae Variant Classification Sherloc (09022015). Collection method: clinical testing. Allele origin: germline.
Comment: This sequence change affects an acceptor splice site in intron 2 of the PIGL gene. RNA analysis indicates that disruption of this splice site induces altered splicing and may result in an absent or disrupted protein product. This variant is present in population databases (rs369230457, gnomAD 0.009%). Disruption of this splice site has been observed in individual(s) with clinical features of CHIME syndrome (PMID: 28327575). In at least one individual the data is consistent with being in trans (on the opposite chromosome) from a pathogenic variant. ClinVar contains an entry for this variant (Variation ID: 632268). Studies have shown that disruption of this splice site results in skipping of exon 3 and introduces a premature termination codon (PMID: 28327575). The resulting mRNA is expected to undergo nonsense-mediated decay. For these reasons, this variant has been classified as Pathogenic.

GeneDx
Classification: Pathogenic. Last evaluated: 2022-04-28. Review status: criteria provided, single submitter. Criteria: GeneDx Variant Classification Process June 2021. Collection method: clinical testing. Allele origin: germline. Affected: yes.
Comment: Canonical splice site variant in a gene for which loss-of-function is a known mechanism of disease; Not observed at a significant frequency in large population cohorts (gnomAD); Reported in an individual in published literature with features of PIGL-related disorder (Pagnamenta et al., 2017); This variant is associated with the following publications: (PMID: 28327575)

Literature cited by the submitters: PubMed 28327575 (cited by Labcorp Genetics (formerly Invitae), Labcorp).

NM_004278.4(PIGL):c.336-2A>G

Gene: PIGL (phosphatidylinositol glycan anchor biosynthesis class L; plus strand). Cytogenetic location: 17p11.2.
Variant type: single nucleotide variant.
Coding change: c.336-2A>G on transcript NM_004278.4 (MANE Select); the canonical splice acceptor site of the intron before coding-DNA position 336, A replaced by G.
Molecular consequence: splice acceptor variant.
Genome position (GRCh38, 1-based): chr17:16,299,886, A>G. VCF-style: chr17-16299886-A-G. GRCh37 (hg19) VCF-style: chr17-16203200-A-G.
Other names: c.336-2A>G (NM_001411072.1).
Identifiers: ClinVar variation 632268 (VCV000632268.11), dbSNP rs369230457, ClinGen allele CA8409873.